The following is an entry in ClinVar:

ClinVar aggregate classification (germline): Uncertain significance (1 of 4 stars; one submission).

Conditions:
Inborn genetic diseases. Identifiers: MedGen C0950123, MeSH D030342.

gnomAD v4.1: 2 of 1,605,338 alleles (0.00012%); highest among the groups gnomAD compares: Non-Finnish European, 0.00017%; no homozygotes.

Submission:

Ambry Genetics
Classification: Uncertain significance for Inborn genetic diseases. Last evaluated: 2025-09-22. Review status: criteria provided, single submitter. Criteria: Ambry Variant Classification Scheme 2023. Collection method: clinical testing. Allele origin: germline.
Comment: The c.13801C>G (p.P4601A) alteration is located in exon 41 (coding exon 41) of the KMT2D gene. This alteration results from a C to G substitution at nucleotide position 13801, causing the proline (P) at amino acid position 4601 to be replaced by an alanine (A). Based on data from gnomAD, the G allele has an overall frequency of <0.001% (1/242158) total alleles studied. The highest observed frequency was 0.001% (1/109742) of European (non-Finnish) alleles. Based on insufficient or conflicting evidence, the clinical significance of this alteration remains unclear.

NM_003482.4(KMT2D):c.13801C>G (p.Pro4601Ala)

Gene: KMT2D (lysine methyltransferase 2D; minus strand). Cytogenetic location: 12q13.12.
Variant type: single nucleotide variant.
Coding change: c.13801C>G on transcript NM_003482.4 (MANE Select); coding-DNA position 13801, C replaced by G.
Protein change: p.Pro4601Ala; replaces proline 4601 with alanine.
Molecular consequence: missense variant.
Genome position (GRCh38, 1-based): chr12:49,030,639, G>C on the plus strand (C>G on the coding strand, the complement: KMT2D is on the minus strand). VCF-style: chr12-49030639-G-C. GRCh37 (hg19) VCF-style: chr12-49424422-G-C.
Other names: short protein forms P4601A.
Identifiers: ClinVar variation 4623131 (VCV004623131.1).